The following is an entry in ClinVar:

NM_000038.6(APC):c.936G>A (p.Val312=)

Gene: APC (APC regulator of Wnt signaling pathway; plus strand). Cytogenetic location: 5q22.2.
Variant type: single nucleotide variant.
Coding change: c.936G>A on transcript NM_000038.6 (MANE Select); coding-DNA position 936, G replaced by A.
Protein change: p.Val312=; no amino-acid change (valine 312 retained).
Molecular consequence: synonymous variant. On other transcripts: non-coding transcript variant (2), intron variant (15).
Genome position (GRCh38, 1-based): chr5:112,818,968, G>A. VCF-style: chr5-112818968-G-A. GRCh37 (hg19) VCF-style: chr5-112154665-G-A.
Other names: c.936G>A (NM_000038.5); c.936G>A, p.Val312= (NM_001127510.3, NM_001354895.2, NM_001354896.2 and 4 more transcripts); c.882G>A, p.Val294= (NM_001127511.3); c.966G>A, p.Val322= (NM_001354897.2, NM_001407446.1); c.861G>A, p.Val287= (NM_001354898.2, NM_001407451.1); c.852G>A, p.Val284= (NM_001354899.2, NM_001407452.1); c.759G>A, p.Val253= (NM_001354900.2, NM_001354901.2, NM_001407453.1); c.87G>A, p.Val29= (NM_001354906.2, NM_001407470.1); and 6 more.
Identifiers: ClinVar variation 2749815 (VCV002749815.6), dbSNP rs766950362, ClinGen allele CA124969930.

ClinVar aggregate classification (germline): Conflicting classifications of pathogenicity. Review status: criteria provided, conflicting classifications (1 of 4 stars). 4 submissions from 4 submitters: Uncertain significance (2); Benign (1); Likely benign (1). Last evaluated 2025-09-05.

Conditions:
Familial adenomatous polyposis 1 (FAP1). Also called: POLYPOSIS, ADENOMATOUS INTESTINAL; FAMILIAL ADENOMATOUS POLYPOSIS 1, ATTENUATED. Identifiers: MedGen C2713442, MONDO:0021056, OMIM 175100. Disease mechanism: loss of function.
Hereditary cancer-predisposing syndrome. Also called: Neoplastic Syndromes, Hereditary; Hereditary Cancer Syndrome; Tumor predisposition; Hereditary neoplastic syndrome. Identifiers: Orphanet 140162, MedGen C0027672, MeSH D009386, MONDO:0015356.

Allele frequency attached by ClinVar (database versions not stated): gnomAD exomes below 0.00001.
gnomAD v4.1: 7 of 1,613,672 alleles (0.00043%); highest among the groups gnomAD compares: Non-Finnish European, 0.00051%; no homozygotes.

Submissions (4):

Ambry Genetics
Classification: Uncertain significance for Hereditary cancer-predisposing syndrome. Last evaluated: 2025-09-05. Review status: criteria provided, single submitter. Criteria: Ambry Variant Classification Scheme 2023. Collection method: clinical testing. Allele origin: germline.
Comment: The c.936G>A variant (also known as p.V312V), located in coding exon 9 of the APC gene, results from a G to A substitution at nucleotide position 936. This nucleotide substitution does not change the valine at codon 312. This nucleotide position is highly conserved in available vertebrate species. In silico splice site analysis for this alteration is inconclusive. RNA studies have demonstrated that this alteration results in a splice defect; the clinical impact of this abnormal splicing is unknown at this time (Ambry internal data). Based on the available evidence, the clinical significance of this variant remains unclear.

Myriad Genetics, Inc.
Classification: Benign for Familial adenomatous polyposis 1. Last evaluated: 2024-02-29. Review status: criteria provided, single submitter. Criteria: Myriad Autosomal Dominant, Autosomal Recessive and X-Linked Classification Criteria (2023). Collection method: clinical testing. Allele origin: unknown.
Comment: This variant is considered benign. This variant is a silent/synonymous amino acid change and it is not expected to impact splicing.

Color Diagnostics, LLC DBA Color Health
Classification: Uncertain significance for Hereditary cancer-predisposing syndrome. Last evaluated: 2023-07-18. Review status: criteria provided, single submitter. Criteria: ACMG Guidelines, 2015. Collection method: clinical testing. Allele origin: germline.
Comment: This synonymous variant causes a G>A change in exon 10 of the APC gene. To our knowledge, functional studies have not been reported for this variant. This variant has not been reported in individuals affected with APC-related disorders in the literature. This variant has not been identified in the general population by the Genome Aggregation Database (gnomAD). The available evidence is insufficient to determine the role of this variant in disease conclusively. Therefore, this variant is classified as a Variant of Uncertain Significance.

Labcorp Genetics (formerly Invitae), Labcorp
Classification: Likely benign for Familial adenomatous polyposis 1. Last evaluated: 2023-05-30. Review status: criteria provided, single submitter. Criteria: Invitae Variant Classification Sherloc (09022015). Collection method: clinical testing. Allele origin: germline.